The following is an entry in ClinVar:

ClinVar aggregate classification (germline): Uncertain significance (1 of 4 stars; one submission).

Conditions:
Dystonic disorder. Also called: Dystonia. Identifiers: MedGen C0013421, MONDO:0003441, HP:0001332.

gnomAD v4.1: 6 of 1,508,958 alleles (0.0004%); highest among the groups gnomAD compares: Admixed American, 0.0083%; no homozygotes.

Submission:

Labcorp Genetics (formerly Invitae), Labcorp
Classification: Uncertain significance for Dystonic disorder. Last evaluated: 2025-12-08. Review status: criteria provided, single submitter. Criteria: Invitae Variant Classification Sherloc (09022015). Collection method: clinical testing. Allele origin: germline.
Comment: This sequence change replaces proline, which is neutral and non-polar, with arginine, which is basic and polar, at codon 888 of the CIZ1 protein (p.Pro888Arg). This variant is not present in population databases (gnomAD no frequency). This variant has not been reported in the literature in individuals affected with CIZ1-related conditions. An algorithm developed to predict the effect of missense changes on protein structure and function outputs the following: PolyPhen-2: "Benign". The arginine amino acid residue is found in multiple mammalian species, which suggests that this missense change does not adversely affect protein function. In summary, the available evidence is currently insufficient to determine the role of this variant in disease. Therefore, it has been classified as a Variant of Uncertain Significance.

NM_001131016.2(CIZ1):c.2663C>G (p.Pro888Arg)

Gene: CIZ1 (CDKN1A interacting zinc finger protein 1; minus strand). Cytogenetic location: 9q34.11.
Variant type: single nucleotide variant.
Coding change: c.2663C>G on transcript NM_001131016.2 (MANE Select); coding-DNA position 2663, C replaced by G.
Protein change: p.Pro888Arg; replaces proline 888 with arginine.
Molecular consequence: missense variant.
Genome position (GRCh38, 1-based): chr9:128,166,231, G>C on the plus strand (C>G on the coding strand, the complement: CIZ1 is on the minus strand). VCF-style: chr9-128166231-G-C. GRCh37 (hg19) VCF-style: chr9-130928510-G-C.
Other names: c.2495C>G, p.Pro832Arg (NM_001131015.2); c.2480C>G, p.Pro827Arg (NM_001131017.2); c.2423C>G, p.Pro808Arg (NM_001131018.2); c.2831C>G, p.Pro944Arg (NM_001257975.2); c.2360C>G, p.Pro787Arg (NM_001257976.2); c.2663C>G, p.Pro888Arg (NM_012127.3); short protein forms P787R, P808R, P827R, P832R, P888R, P944R.
Identifiers: ClinVar variation 4808089 (VCV004808089.1).